The following is an entry in ClinVar:

ClinVar aggregate classification (germline): Likely benign (1 of 4 stars; one submission).

gnomAD v4.1: 9,888 of 1,547,932 alleles (0.64%); highest among the groups gnomAD compares: Non-Finnish European, 0.74%; 44 homozygotes.

Submission:

CeGaT Center for Human Genetics Tuebingen
Classification: Likely benign. Last evaluated: 2025-07-01. Review status: criteria provided, single submitter. Criteria: CeGaT Center For Human Genetics Tuebingen Variant Classification Criteria Version 2. Collection method: clinical testing. Allele origin: germline. Affected: yes. Observed: 1 variant allele.
Comment: FMO5: BP4, BP7, BS2

NM_001144829.3(FMO5):c.1287C>T (p.Pro429=)

Genes: CHD1L (chromodomain helicase DNA binding protein 1 like; plus strand), FMO5 (flavin containing dimethylaniline monoxygenase 5; minus strand). Cytogenetic location: 1q21.1.
Variant type: single nucleotide variant.
Coding change: c.1287C>T on transcript NM_001144829.3; coding-DNA position 1287, C replaced by T.
Protein change: p.Pro429=; no amino-acid change (proline 429 retained).
Molecular consequence: synonymous variant. On other transcripts: intron variant (1).
Genome position (GRCh38, 1-based): chr1:147,184,600, G>A on the plus strand (C>T on the coding strand, the complement: FMO5 is on the minus strand). VCF-style: chr1-147184600-G-A. GRCh37 (hg19) VCF-style: chr1-146656179-G-A.
Other names: c.-90+10015G>A (NM_001348451.2).
Identifiers: ClinVar variation 4083743 (VCV004083743.8).
Genomic context (GRCh38, chr1:147,184,600, plus strand): 5'-TTTGTTGATGATCTTGACAGTTTTGAGGTAGTCAGGTATTTGTAGAATATTCTTCAACTT[G>A]GGTTTGTCTGATGTTTTTCTCATGGTTAGACTGCATTATGGTTTTTGAGAGGAATACAAC-3'